The following is an entry in ClinVar:

NM_000142.5(FGFR3):c.1982T>C (p.Met661Thr)

Gene: FGFR3 (fibroblast growth factor receptor 3; plus strand). Cytogenetic location: 4p16.3.
Variant type: single nucleotide variant.
Coding change: c.1982T>C on transcript NM_000142.5 (MANE Select); coding-DNA position 1982, T replaced by C.
Protein change: p.Met661Thr; replaces methionine 661 with threonine.
Molecular consequence: missense variant. On other transcripts: non-coding transcript variant (1), intron variant (1).
Genome position (GRCh38, 1-based): chr4:1,806,279, T>C. VCF-style: chr4-1806279-T-C. GRCh37 (hg19) VCF-style: chr4-1808006-T-C.
Other names: c.1988T>C, p.Met663Thr (NM_001163213.2); c.1985T>C, p.Met662Thr (NM_001354809.2); c.1646T>C, p.Met549Thr (NM_022965.4); c.1962+106T>C (NM_001354810.2); short protein forms M549T, M661T, M662T, M663T.
Identifiers: ClinVar variation 2507078 (VCV002507078.4), dbSNP rs1721906539, ClinGen allele CA355982801.

ClinVar aggregate classification (germline): Uncertain significance. Review status: criteria provided, multiple submitters, no conflicts (2 of 4 stars). 2 submissions from 2 submitters: Uncertain significance (2). Last evaluated 2023-07-01.

Allele frequency attached by ClinVar (database versions not stated): TOPMed below 0.00001.
gnomAD v4.1: 1 of 1,611,424 alleles (0.000062%); no homozygotes.

Submissions (2):

GeneDx
Classification: Uncertain significance. Last evaluated: 2023-07-01. Review status: criteria provided, single submitter. Criteria: GeneDx Variant Classification Process June 2021. Collection method: clinical testing. Allele origin: germline. Affected: yes.
Comment: Not observed at significant frequency in large population cohorts (gnomAD); In silico analysis supports that this missense variant has a deleterious effect on protein structure/function; Has not been previously published as pathogenic or benign to our knowledge

Labcorp Genetics (formerly Invitae), Labcorp
Classification: Uncertain significance. Last evaluated: 2023-06-06. Review status: criteria provided, single submitter. Criteria: Invitae Variant Classification Sherloc (09022015). Collection method: clinical testing. Allele origin: germline.
Comment: In summary, the available evidence is currently insufficient to determine the role of this variant in disease. Therefore, it has been classified as a Variant of Uncertain Significance. Advanced modeling of protein sequence and biophysical properties (such as structural, functional, and spatial information, amino acid conservation, physicochemical variation, residue mobility, and thermodynamic stability) has been performed at Invitae for this missense variant, however the output from this modeling did not meet the statistical confidence thresholds required to predict the impact of this variant on FGFR3 protein function. This variant has not been reported in the literature in individuals affected with FGFR3-related conditions. This variant is not present in population databases (gnomAD no frequency). This sequence change replaces methionine, which is neutral and non-polar, with threonine, which is neutral and polar, at codon 661 of the FGFR3 protein (p.Met661Thr).